The following is an entry in ClinVar:

NM_000195.5(HPS1):c.598G>A (p.Glu200Lys)

Gene: HPS1 (HPS1 biogenesis of lysosomal organelles complex 3 subunit 1; minus strand). Cytogenetic location: 10q24.2.
Variant type: single nucleotide variant.
Coding change: c.598G>A on transcript NM_000195.5 (MANE Select); coding-DNA position 598, G replaced by A.
Protein change: p.Glu200Lys; replaces glutamic acid 200 with lysine.
Molecular consequence: missense variant. On other transcripts: 5 prime UTR variant (3), intron variant (5).
Genome position (GRCh38, 1-based): chr10:98,431,201, C>T on the plus strand (G>A on the coding strand, the complement: HPS1 is on the minus strand). VCF-style: chr10-98431201-C-T. GRCh37 (hg19) VCF-style: chr10-100190958-C-T.
Other names: c.598G>A (NM_000195.3, NM_000195.4); c.-276G>A (NM_001311345.2, NM_001322489.2); c.598G>A, p.Glu200Lys (NM_001322476.2, NM_001322477.2, NM_001322478.2 and 3 more transcripts); c.229G>A, p.Glu77Lys (NM_001322483.2, NM_001322484.2, NM_001322485.2); c.-375G>A (NM_001322487.2); c.408-531G>A (NM_001322480.2, NM_001322482.2, NM_001322481.2); c.551-531G>A (NM_001322492.2, NM_001322490.2); short protein forms E77K, E200K.
Identifiers: ClinVar variation 1444631 (VCV001444631.10), dbSNP rs370788424, ClinGen allele CA5639355.

ClinVar aggregate classification (germline): Uncertain significance. Review status: criteria provided, multiple submitters, no conflicts (2 of 4 stars). 4 submissions from 4 submitters: Uncertain significance (3). 1 of the submissions does not count toward it. Last evaluated 2025-09-11.

Conditions:
HPS1-related disorder. Also called: HPS1-related condition.
Inborn genetic diseases. Identifiers: MedGen C0950123, MeSH D030342.

Allele frequency attached by ClinVar (database versions not stated): gnomAD exomes 0.00002 and 0.00003; TOPMed 0.00003; gnomAD 0.00004; ExAC 0.00006; ESP Exome Variant Server 0.00015.
gnomAD v4.1: 50 of 1,613,982 alleles (0.0031%); highest among the groups gnomAD compares: Middle Eastern, 0.033%; no homozygotes.

Submissions (4):

Ambry Genetics
Classification: Uncertain significance for Inborn genetic diseases. Last evaluated: 2025-09-11. Review status: criteria provided, single submitter. Criteria: Ambry Variant Classification Scheme 2023. Collection method: clinical testing. Allele origin: germline.

Blueprint Genetics
Classification: Uncertain significance. Last evaluated: 2023-09-21. Review status: criteria provided, single submitter. Criteria: ACMG Guidelines, 2015. Collection method: clinical testing. Allele origin: germline.

Labcorp Genetics (formerly Invitae), Labcorp
Classification: Uncertain significance. Last evaluated: 2022-01-14. Review status: criteria provided, single submitter. Criteria: Invitae Variant Classification Sherloc (09022015). Collection method: clinical testing. Allele origin: germline.
Comment: This sequence change replaces glutamic acid, which is acidic and polar, with lysine, which is basic and polar, at codon 200 of the HPS1 protein (p.Glu200Lys). The frequency data for this variant in the population databases is considered unreliable, as metrics indicate poor data quality at this position in the gnomAD database. This variant has not been reported in the literature in individuals affected with HPS1-related conditions. Algorithms developed to predict the effect of missense changes on protein structure and function output the following: SIFT: "Deleterious"; PolyPhen-2: "Benign"; Align-GVGD: "Class C0". The lysine amino acid residue is found in multiple mammalian species, which suggests that this missense change does not adversely affect protein function. In summary, the available evidence is currently insufficient to determine the role of this variant in disease. Therefore, it has been classified as a Variant of Uncertain Significance.

PreventionGenetics, part of Exact Sciences
Classification: Uncertain significance for HPS1-related condition. Last evaluated: 2023-11-18. Review status: no assertion criteria provided. Collection method: clinical testing. Allele origin: germline. Not counted in ClinVar's aggregate classification.
Comment: The HPS1 c.598G>A variant is predicted to result in the amino acid substitution p.Glu200Lys. To our knowledge, this variant has not been reported in the literature. This variant is reported in 0.0098% of alleles in individuals of South Asian descent in gnomAD. At this time, the clinical significance of this variant is uncertain due to the absence of conclusive functional and genetic evidence.